The following is an entry in ClinVar:

NM_080680.3(COL11A2):c.*925G>A

Gene: COL11A2 (collagen type XI alpha 2 chain; minus strand). Cytogenetic location: 6p21.32.
Variant type: single nucleotide variant.
Coding change: c.*925G>A on transcript NM_080680.3 (MANE Select); 925 bases downstream of the stop codon, G replaced by A.
Molecular consequence: 3 prime UTR variant.
Genome position (GRCh38, 1-based): chr6:33,162,753, C>T on the plus strand (G>A on the coding strand, the complement: COL11A2 is on the minus strand). VCF-style: chr6-33162753-C-T. GRCh37 (hg19) VCF-style: chr6-33130530-C-T.
Other names: c.*925G>A (NM_080679.3, NM_080681.3).
Identifiers: ClinVar variation 356372 (VCV000356372.6), dbSNP rs117470046, ClinGen allele CA10623648.

ClinVar aggregate classification (germline): Likely benign. Review status: criteria provided, single submitter (1 of 4 stars). 2 submissions from 1 submitter: Likely benign (2). Last evaluated 2018-01-13.

Conditions:
Otospondylomegaepiphyseal dysplasia, autosomal recessive (OSMEDB). Also called: CHONDRODYSTROPHY WITH SENSORINEURAL DEAFNESS; Insley-Astley syndrome. Identifiers: Orphanet 1427, MedGen CN034493, MONDO:0044206, OMIM 215150.
Fibrochondrogenesis 2 (FBCG2). Identifiers: Orphanet 2021, MedGen C3281128, MONDO:0013795, OMIM 614524.

Allele frequency attached by ClinVar (database versions not stated): gnomAD 0.00021 and 0.00030; TOPMed 0.00031; 1000 Genomes Project 0.00200; 1000 Genomes Project 30x 0.00234.

Submissions (2):

Illumina Laboratory Services, Illumina
Classification: Likely benign for Otospondylomegaepiphyseal dysplasia, autosomal recessive. Last evaluated: 2018-01-13. Review status: criteria provided, single submitter. Criteria: ICSL Variant Classification Criteria 13 December 2019. Collection method: clinical testing. Allele origin: germline.
Comment: This variant was observed in the ICSL laboratory as part of a predisposition screen in an ostensibly healthy population. It had not been previously curated by ICSL or reported in the Human Gene Mutation Database (HGMD: prior to June 1st, 2018), and was therefore a candidate for classification through an automated scoring system. Utilizing variant allele frequency, disease prevalence and penetrance estimates, and inheritance mode, an automated score was calculated to assess if this variant is too frequent to cause the disease. Based on the score and internal cut-off values, a variant classified as likely benign is not then subjected to further curation. The score for this variant resulted in a classification of likely benign for this disease.

Illumina Laboratory Services, Illumina
Classification: Likely benign for Fibrochondrogenesis 2. Last evaluated: 2018-01-13. Review status: criteria provided, single submitter. Criteria: ICSL Variant Classification Criteria 13 December 2019. Collection method: clinical testing. Allele origin: germline.
Comment: the same text as in the submission from Illumina Laboratory Services, Illumina above.